The following is an entry in ClinVar:

ClinVar aggregate classification (germline): Likely benign. Review status: criteria provided, single submitter (1 of 4 stars). 2 submissions from 2 submitters: Likely benign (1). 1 of the submissions does not count toward it. Last evaluated 2017-12-11.

Conditions:
MRPL44-related disorder. Also called: MRPL44-related condition.

Allele frequency attached by ClinVar (database versions not stated): ExAC 0.00007; gnomAD exomes 0.00007; gnomAD 0.00009 and 0.00073; ESP Exome Variant Server 0.00016; TOPMed 0.00170.
gnomAD v4.1: 331 of 1,601,462 alleles (0.021%); highest among the groups gnomAD compares: Non-Finnish European, 0.02%; 5 homozygotes.

Submissions (2):

GeneDx
Classification: Likely benign. Last evaluated: 2017-12-11. Review status: criteria provided, single submitter. Criteria: GeneDx Variant Classification (06012015). Collection method: clinical testing. Allele origin: germline. Affected: yes.
Comment: This variant is considered likely benign or benign based on one or more of the following criteria: it is a conservative change, it occurs at a poorly conserved position in the protein, it is predicted to be benign by multiple in silico algorithms, and/or has population frequency not consistent with disease.

PreventionGenetics, part of Exact Sciences
Classification: Likely benign for MRPL44-related condition. Last evaluated: 2020-04-06. Review status: no assertion criteria provided. Collection method: clinical testing. Allele origin: germline. Not counted in ClinVar's aggregate classification.
Comment: This variant is classified as likely benign based on ACMG/AMP sequence variant interpretation guidelines (Richards et al. 2015 PMID: 25741868, with internal and published modifications).

NM_022915.5(MRPL44):c.179+9C>T

Gene: MRPL44 (mitochondrial ribosomal protein L44; plus strand). Cytogenetic location: 2q36.1.
Variant type: single nucleotide variant.
Coding change: c.179+9C>T on transcript NM_022915.5 (MANE Select); 9 bases into the intron after coding-DNA position 179, C replaced by T.
Molecular consequence: intron variant.
Genome position (GRCh38, 1-based): chr2:223,957,660, C>T. VCF-style: chr2-223957660-C-T. GRCh37 (hg19) VCF-style: chr2-224822377-C-T.
Identifiers: ClinVar variation 513607 (VCV000513607.3), dbSNP rs370122608, ClinGen allele CA2138996.